The following is an entry in ClinVar:

ClinVar aggregate classification (germline): Likely pathogenic (1 of 4 stars; one submission).

Conditions:
Alternating hemiplegia of childhood 2 (AHC2). Also called: Alternating Hemiplegia of Childhood (AHC). Identifiers: Orphanet 2131, MedGen C3553788, MONDO:0013900, OMIM 614820.

Submission:

3billion
Classification: Likely pathogenic for Alternating hemiplegia of childhood 2. Last evaluated: 2022-09-01. Review status: criteria provided, single submitter. Criteria: ACMG Guidelines, 2015. Collection method: clinical testing. Allele origin: germline. Affected: yes. Observed: 1 heterozygote.
Comment: The variant is not observed in the gnomAD v2.1.1 dataset. It is located in a mutational hot spot and/or well-established functional domain in which established pathogenic variants have been reported. Missense changes are a common disease-causing mechanism. In silico tool predictions suggest damaging effect of the variant on gene or gene product (REVEL: 0.96; 3Cnet: 1.00, Splice AI: 0.77). Different missense changes at the same codon (p.Arg756Cys, p.Arg756His) have been reported as pathogenic/likely pathogenic with strong evidence (ClinVar ID: VCV000161134 , VCV000425189). Therefore, this variant is classified as Likely pathogenic according to the recommendation of ACMG/AMP guideline.

NM_152296.5(ATP1A3):c.2266C>A (p.Arg756Ser)

Gene: ATP1A3 (ATPase Na+/K+ transporting subunit alpha 3; minus strand). Cytogenetic location: 19q13.2.
Variant type: single nucleotide variant.
Coding change: c.2266C>A on transcript NM_152296.5 (MANE Select); coding-DNA position 2266, C replaced by A.
Protein change: p.Arg756Ser; replaces arginine 756 with serine.
Molecular consequence: missense variant.
Genome position (GRCh38, 1-based): chr19:41,970,540, G>T on the plus strand (C>A on the coding strand, the complement: ATP1A3 is on the minus strand). VCF-style: chr19-41970540-G-T. GRCh37 (hg19) VCF-style: chr19-42474692-G-T.
Other names: c.2266C>A, p.Arg756Ser (NM_000703.1); c.2299C>A, p.Arg767Ser (NM_001256213.2); c.2305C>A, p.Arg769Ser (NM_001256214.2); short protein forms R756S, R767S, R769S.
Identifiers: ClinVar variation 1705555 (VCV001705555.1), dbSNP rs1064797245, ClinGen allele CA406039787.